The following is an entry in ClinVar:

ClinVar aggregate classification (germline): Uncertain significance (1 of 4 stars; one submission).

Allele frequency attached by ClinVar (database versions not stated): gnomAD exomes below 0.00001; ExAC 0.00001.
gnomAD v4.1: 2 of 1,614,072 alleles (0.00012%); highest among the groups gnomAD compares: South Asian, 0.0011%; no homozygotes.

Submission:

Labcorp Genetics (formerly Invitae), Labcorp
Classification: Uncertain significance. Last evaluated: 2023-06-15. Review status: criteria provided, single submitter. Criteria: Invitae Variant Classification Sherloc (09022015). Collection method: clinical testing. Allele origin: germline.
Comment: This sequence change replaces proline, which is neutral and non-polar, with serine, which is neutral and polar, at codon 704 of the KANK2 protein (p.Pro704Ser). This variant has not been reported in the literature in individuals affected with KANK2-related conditions. This variant is present in population databases (rs765607833, gnomAD 0.006%). In summary, the available evidence is currently insufficient to determine the role of this variant in disease. Therefore, it has been classified as a Variant of Uncertain Significance. An algorithm developed to predict the effect of missense changes on protein structure and function (PolyPhen-2) suggests that this variant is likely to be disruptive.

NM_001136191.3(KANK2):c.2110C>T (p.Pro704Ser)

Gene: KANK2 (KN motif and ankyrin repeat domains 2; minus strand). Cytogenetic location: 19p13.2.
Variant type: single nucleotide variant.
Coding change: c.2110C>T on transcript NM_001136191.3 (MANE Select); coding-DNA position 2110, C replaced by T.
Protein change: p.Pro704Ser; replaces proline 704 with serine.
Molecular consequence: missense variant.
Genome position (GRCh38, 1-based): chr19:11,173,082, G>A on the plus strand (C>T on the coding strand, the complement: KANK2 is on the minus strand). VCF-style: chr19-11173082-G-A. GRCh37 (hg19) VCF-style: chr19-11283758-G-A.
Other names: c.2110C>T, p.Pro704Ser (NM_001329451.2, NM_001379555.1, NM_001379556.1 and 7 more transcripts); c.2134C>T, p.Pro712Ser (NM_001379548.1, NM_001379549.1, NM_001379550.1 and 5 more transcripts); short protein forms P704S, P712S.
Identifiers: ClinVar variation 2986327 (VCV002986327.3), dbSNP rs765607833, ClinGen allele CA9205370.
Genomic context (GRCh38, chr19:11,173,082, plus strand): 5'-GAAGGACAGTCTCGATGTCGTCCTGGGTCTTCAGGGTGGCCAGGGCGGTGAGCATAATAG[G>A]GCTGTAGCCAGCACGGTTCTGTTTGTCCACCTTGCAGACACCTAAGAGACATGGTGTGAA-3'
Protein context (NP_001129663.1, residues 694-714): VDKQNRAGYS[Pro704Ser]IMLTALATLK